The following is an entry in ClinVar:

ClinVar aggregate classification (germline): Pathogenic (1 of 4 stars; one submission).

Submission:

Labcorp Genetics (formerly Invitae), Labcorp
Classification: Pathogenic. Last evaluated: 2024-10-02. Review status: criteria provided, single submitter. Criteria: Invitae Variant Classification Sherloc (09022015). Collection method: clinical testing. Allele origin: germline.
Comment: This sequence change creates a premature translational stop signal (p.His745Profs*6) in the LAMA1 gene. It is expected to result in an absent or disrupted protein product. Loss-of-function variants in LAMA1 are known to be pathogenic (PMID: 25105227, 26932191). This variant is not present in population databases (gnomAD no frequency). This variant has not been reported in the literature in individuals affected with LAMA1-related conditions. For these reasons, this variant has been classified as Pathogenic.

Literature cited by the submitters: PubMed 25105227; PubMed 26932191.

NM_005559.4(LAMA1):c.2233dup (p.His745fs)

Gene: LAMA1 (laminin subunit alpha 1; minus strand). Cytogenetic location: 18p11.31.
Variant type: Duplication.
Coding change: c.2233dup on transcript NM_005559.4 (MANE Select); coding-DNA position 2233, one base duplicated (C; older notation c.2233dupC).
Protein change: p.His745fs; shifts the reading frame from histidine 745.
Molecular consequence: frameshift variant.
Genome position (GRCh38, 1-based): chr18:7,032,107, G duplicated on the plus strand (C on the coding strand, the reverse complement: LAMA1 is on the minus strand); the first of 2 consecutive G bases (chr18:7,032,107-7,032,108); duplicating either gives the same sequence. VCF-style (leftmost placement, unchanged base first): chr18-7032106-T-TG. GRCh37 (hg19) VCF-style: chr18-7032105-T-TG.
Other names: short protein forms H745fs.
Identifiers: ClinVar variation 3715175 (VCV003715175.2).